The following is an entry in ClinVar:

NM_032634.4(PIGO):c.1256C>T (p.Ala419Val)

Gene: PIGO (phosphatidylinositol glycan anchor biosynthesis class O; minus strand). Cytogenetic location: 9p13.3.
Variant type: single nucleotide variant.
Coding change: c.1256C>T on transcript NM_032634.4 (MANE Select); coding-DNA position 1256, C replaced by T.
Protein change: p.Ala419Val; replaces alanine 419 with valine.
Molecular consequence: missense variant.
Genome position (GRCh38, 1-based): chr9:35,092,631, G>A on the plus strand (C>T on the coding strand, the complement: PIGO is on the minus strand). VCF-style: chr9-35092631-G-A. GRCh37 (hg19) VCF-style: chr9-35092628-G-A.
Other names: c.1256C>T, p.Ala419Val (NM_001201484.2, NM_152850.4); short protein forms A419V.
Identifiers: ClinVar variation 665883 (VCV000665883.7), dbSNP rs777439274, ClinGen allele CA5040682.

ClinVar aggregate classification (germline): Uncertain significance. Review status: criteria provided, multiple submitters, no conflicts (2 of 4 stars). 2 submissions from 2 submitters: Uncertain significance (2). Last evaluated 2023-10-13.

Conditions:
Hyperphosphatasia with impaired intellectual development syndrome 2. Also called: Hyperphosphatasia with intellectual disability syndrome 2; GLYCOSYLPHOSPHATIDYLINOSITOL BIOSYNTHESIS DEFECT 6. Identifiers: Orphanet 247262, MedGen C3553637, MONDO:0013882, OMIM 614749.

Allele frequency attached by ClinVar (database versions not stated): gnomAD exomes 0.00002 and 0.00001; TOPMed 0.00002; ExAC 0.00001; gnomAD 0.00001.
gnomAD v4.1: 14 of 1,614,104 alleles (0.00087%); highest among the groups gnomAD compares: South Asian, 0.0011%; no homozygotes.

Submissions (2):

Labcorp Genetics (formerly Invitae), Labcorp
Classification: Uncertain significance for Hyperphosphatasia with impaired intellectual development syndrome 2. Last evaluated: 2023-10-13. Review status: criteria provided, single submitter. Criteria: Invitae Variant Classification Sherloc (09022015). Collection method: clinical testing. Allele origin: germline.
Comment: This sequence change replaces alanine, which is neutral and non-polar, with valine, which is neutral and non-polar, at codon 419 of the PIGO protein (p.Ala419Val). This variant is present in population databases (rs777439274, gnomAD 0.003%). This variant has not been reported in the literature in individuals affected with PIGO-related conditions. ClinVar contains an entry for this variant (Variation ID: 665883). Advanced modeling of protein sequence and biophysical properties (such as structural, functional, and spatial information, amino acid conservation, physicochemical variation, residue mobility, and thermodynamic stability) performed at Invitae indicates that this missense variant is not expected to disrupt PIGO protein function. Algorithms developed to predict the effect of sequence changes on RNA splicing suggest that this variant may create or strengthen a splice site. In summary, the available evidence is currently insufficient to determine the role of this variant in disease. Therefore, it has been classified as a Variant of Uncertain Significance.

New York Genome Center
Classification: Uncertain significance for Hyperphosphatasia with impaired intellectual development syndrome 2. Last evaluated: 2020-04-18. Review status: criteria provided, single submitter. Criteria: NYGC Assertion Criteria 2020. Collection method: clinical testing. Allele origin: germline. Observed: 1 heterozygote. Study: CSER-NYCKidSeq.